The following is an entry in ClinVar:

ClinVar aggregate classification (germline): Conflicting classifications of pathogenicity. Review status: criteria provided, conflicting classifications (1 of 4 stars). 5 submissions from 5 submitters: Likely pathogenic (1); Uncertain significance (4). Last evaluated 2025-07-23.

Conditions:
Cardiovascular phenotype. Identifiers: MedGen CN230736.
Cardiomyopathy (CMYO). Also called: Cardiomyopathies. Identifiers: Orphanet 167848, MedGen C0878544, MONDO:0004994, HP:0001638. Inheritance: Various modes of inheritance.
Hypertrophic cardiomyopathy 4. Also called: Familial hypertrophic cardiomyopathy 4. Identifiers: MedGen C1861862, MONDO:0007268, OMIM 115197.
Hypertrophic cardiomyopathy. Also called: HYPERTROPHIC MYOCARDIOPATHY. Identifiers: Orphanet 217569, MedGen C0007194, MeSH D002312, MONDO:0005045, HP:0001639.

Allele frequency attached by ClinVar (database versions not stated): gnomAD exomes below 0.00001.
gnomAD v4.1: 1 of 1,602,848 alleles (0.000062%); highest among the groups gnomAD compares: Non-Finnish European, 0.000085%; no homozygotes.

Submissions (5):

3billion
Classification: Uncertain significance for Hypertrophic cardiomyopathy 4. Last evaluated: 2025-07-23. Review status: criteria provided, single submitter. Criteria: ACMG Guidelines, 2015. Collection method: clinical testing. Allele origin: germline. Affected: yes.
Comment: The variant is observed at an extremely low frequency in the gnomAD v4.1.0 dataset (total allele frequency: <0.001%). Predicted Consequence/Location: Intron variant Functional studies provide moderate evidence of the variant having a damaging effect on the gene or gene product (PMID: 28679633). In silico tools predict the variant to alter splicing and produce an abnormal transcript [SpliceAI: 0.50 (>=0.2, moderate evidence for spliceogenicity)]. The variant has been reported to be associated with MYBPC3-related disorder (ClinVar ID: VCV000042782 /PMID: 28679633). However, the evidence of pathogenicity is insufficient at this time. Therefore, this variant is classified as VUS according to the recommendation of ACMG/AMP guideline.

Labcorp Genetics (formerly Invitae), Labcorp
Classification: Uncertain significance for Hypertrophic cardiomyopathy. Last evaluated: 2024-08-31. Review status: criteria provided, single submitter. Criteria: Invitae Variant Classification Sherloc (09022015). Collection method: clinical testing. Allele origin: germline.
Comment: This sequence change falls in intron 5 of the MYBPC3 gene. It does not directly change the encoded amino acid sequence of the MYBPC3 protein. It affects a nucleotide within the consensus splice site. This variant is not present in population databases (gnomAD no frequency). This variant has been observed in individual(s) with clinical features of MYBPC3-related conditions (PMID: 35508642, 37652022; internal data). ClinVar contains an entry for this variant (Variation ID: 42782). Variants that disrupt the consensus splice site are a relatively common cause of aberrant splicing (PMID: 17576681, 9536098). Algorithms developed to predict the effect of sequence changes on RNA splicing suggest that this variant may disrupt the consensus splice site. In summary, the available evidence is currently insufficient to determine the role of this variant in disease. Therefore, it has been classified as a Variant of Uncertain Significance.

Molecular Diagnostic Laboratory for Inherited Cardiovascular Disease, Montreal Heart Institute
Classification: Likely pathogenic for Cardiovascular phenotype. Last evaluated: 2024-07-16. Review status: criteria provided, single submitter. Criteria: ACMG Guidelines, 2015. Collection method: clinical testing. Allele origin: germline. Affected: yes.
Comment: PVS1_mod, PS4_mod, PM2

CHEO Genetics Diagnostic Laboratory, Children's Hospital of Eastern Ontario
Classification: Uncertain significance for Cardiomyopathy. Last evaluated: 2019-08-27. Review status: criteria provided, single submitter. Criteria: ACMG Guidelines, 2015. Collection method: clinical testing. Allele origin: germline.

Laboratory for Molecular Medicine, Mass General Brigham Personalized Medicine
Classification: Uncertain significance. Last evaluated: 2017-09-19. Review status: criteria provided, single submitter. Criteria: LMM Criteria. Collection method: clinical testing. Allele origin: germline. Observed: 1 variant allele.
Comment: proposed classification - variant undergoing re-assessment, contact laboratory

Literature cited by the submitters: PubMed 28679633 (cited by 3billion and Laboratory for Molecular Medicine, Mass General Brigham Personalized Medicine); PubMed 35508642 (cited by Labcorp Genetics (formerly Invitae), Labcorp); PubMed 37652022 (cited by Labcorp Genetics (formerly Invitae), Labcorp); PubMed 17576681 (cited by Labcorp Genetics (formerly Invitae), Labcorp); PubMed 9536098 (cited by Labcorp Genetics (formerly Invitae), Labcorp).

NM_000256.3(MYBPC3):c.654+5G>A

Gene: MYBPC3 (myosin binding protein C3; minus strand). Cytogenetic location: 11p11.2.
Variant type: single nucleotide variant.
Coding change: c.654+5G>A on transcript NM_000256.3 (MANE Select); 5 bases into the intron after coding-DNA position 654, G replaced by A.
Molecular consequence: intron variant.
Genome position (GRCh38, 1-based): chr11:47,349,769, C>T on the plus strand (G>A on the coding strand, the complement: MYBPC3 is on the minus strand). VCF-style: chr11-47349769-C-T. GRCh37 (hg19) VCF-style: chr11-47371320-C-T.
Identifiers: ClinVar variation 42782 (VCV000042782.11), dbSNP rs397516066, ClinGen allele CA015649.